The following is an entry in ClinVar:

NM_001999.4(FBN2):c.5971T>A (p.Phe1991Ile)

Gene: FBN2 (fibrillin 2; minus strand). Cytogenetic location: 5q23.3.
Variant type: single nucleotide variant.
Coding change: c.5971T>A on transcript NM_001999.4 (MANE Select); coding-DNA position 5971, T replaced by A.
Protein change: p.Phe1991Ile; replaces phenylalanine 1991 with isoleucine.
Molecular consequence: missense variant.
Genome position (GRCh38, 1-based): chr5:128,301,457, A>T on the plus strand (T>A on the coding strand, the complement: FBN2 is on the minus strand). VCF-style: chr5-128301457-A-T. GRCh37 (hg19) VCF-style: chr5-127637149-A-T.
Other names: short protein forms F1991I.
Identifiers: ClinVar variation 3513618 (VCV003513618.1).

ClinVar aggregate classification (germline): Uncertain significance (1 of 4 stars; one submission).

Conditions:
Familial thoracic aortic aneurysm and aortic dissection (TAAD). Also called: Thoracic aortic aneurysms and dissections. Identifiers: Orphanet 91387, MedGen C4707243, MONDO:0019625.

Submission:

Ambry Genetics
Classification: Uncertain significance for Familial thoracic aortic aneurysm and aortic dissection. Last evaluated: 2024-09-30. Review status: criteria provided, single submitter. Criteria: Ambry Variant Classification Scheme 2023. Collection method: clinical testing. Allele origin: germline.
Comment: The p.F1991I variant (also known as c.5971T>A), located in coding exon 47 of the FBN2 gene, results from a T to A substitution at nucleotide position 5971. The phenylalanine at codon 1991 is replaced by isoleucine, an amino acid with highly similar properties. This amino acid position is not well conserved in available vertebrate species. In addition, this alteration is predicted to be tolerated by in silico analysis. Based on the available evidence, the clinical significance of this variant remains unclear.